The following is an entry in ClinVar:

NM_032217.5(ANKRD17):c.3031A>G (p.Met1011Val)

Gene: ANKRD17 (ankyrin repeat domain 17; minus strand). Cytogenetic location: 4q13.3.
Variant type: single nucleotide variant.
Coding change: c.3031A>G on transcript NM_032217.5 (MANE Select); coding-DNA position 3031, A replaced by G.
Protein change: p.Met1011Val; replaces methionine 1011 with valine.
Molecular consequence: missense variant. On other transcripts: intron variant (1).
Genome position (GRCh38, 1-based): chr4:73,139,585, T>C on the plus strand (A>G on the coding strand, the complement: ANKRD17 is on the minus strand). VCF-style: chr4-73139585-T-C. GRCh37 (hg19) VCF-style: chr4-74005302-T-C.
Other names: c.2692A>G, p.Met898Val (NM_001286771.3); c.3031A>G, p.Met1011Val (NM_015574.2); c.2332+2156A>G (NM_198889.3); short protein forms M1011V, M898V.
Identifiers: ClinVar variation 4535361 (VCV004535361.6).

ClinVar aggregate classification (germline): Uncertain significance (1 of 4 stars; one submission).

Submission:

CeGaT Center for Human Genetics Tuebingen
Classification: Uncertain significance. Last evaluated: 2025-11-01. Review status: criteria provided, single submitter. Criteria: CeGaT Center For Human Genetics Tuebingen Variant Classification Criteria Version 2. Collection method: clinical testing. Allele origin: germline. Affected: yes. Observed: 1 variant allele.
Comment: ANKRD17: PM2